The following is an entry in ClinVar:

NM_019066.5(MAGEL2):c.2110G>C (p.Ala704Pro)

Gene: MAGEL2 (MAGE family member L2; minus strand). Cytogenetic location: 15q11.2.
Variant type: single nucleotide variant.
Coding change: c.2110G>C on transcript NM_019066.5 (MANE Select); coding-DNA position 2110, G replaced by C.
Protein change: p.Ala704Pro; replaces alanine 704 with proline.
Molecular consequence: missense variant.
Genome position (GRCh38, 1-based): chr15:23,645,633, C>G on the plus strand (G>C on the coding strand, the complement: MAGEL2 is on the minus strand). VCF-style: chr15-23645633-C-G. GRCh37 (hg19) VCF-style: chr15-23890780-C-G.
Other names: short protein forms A704P.
Identifiers: ClinVar variation 4883114 (VCV004883114.2).

ClinVar aggregate classification (germline): Uncertain significance (1 of 4 stars; one submission).

Conditions:
Schaaf-Yang syndrome (SHFYNG). Also called: Arthrogryposis, distal, with hypopituitarism, intellectual disability, and facial anomalies; MAGEL2-related Prader-Willi-like syndrome. Identifiers: Orphanet 398069, MedGen C5575066, MONDO:0014243, OMIM 615547.

Submission:

Dasa
Classification: Uncertain significance for Schaaf-Yang syndrome. Last evaluated: 2025-06-23. Review status: criteria provided, single submitter. Criteria: DASA Assertion Criteria. Collection method: clinical testing. Allele origin: germline.
Comment: NM_019066.5(MAGEL2):c.2110G>C (p.Ala704Pro) is a missense variant that results in the substitution of alanine with proline. This variant is absent from population databases. The currently available literature and clinical evidence are not sufficient to establish a definitive association between this variant and the reported condition. Therefore, this variant is classified as a variant of uncertain significance.